The following is an entry in ClinVar:

ClinVar aggregate classification (germline): Uncertain significance. Review status: criteria provided, multiple submitters, no conflicts (2 of 4 stars). 2 submissions from 2 submitters: Uncertain significance (2). Last evaluated 2025-06-12.

Conditions:
Inborn genetic diseases. Identifiers: MedGen C0950123, MeSH D030342.

Submissions (2):

Ambry Genetics
Classification: Uncertain significance for Inborn genetic diseases. Last evaluated: 2025-06-12. Review status: criteria provided, single submitter. Criteria: Ambry Variant Classification Scheme 2023. Collection method: clinical testing. Allele origin: germline.
Comment: The p.N1097S variant (also known as c.3290A>G), located in coding exon 14 of the FANCM gene, results from an A to G substitution at nucleotide position 3290. The asparagine at codon 1097 is replaced by serine, an amino acid with highly similar properties. This amino acid position is conserved. In addition, this alteration is predicted to be tolerated by in silico analysis. Based on the available evidence, the clinical significance of this variant remains unclear.

GeneDx
Classification: Uncertain significance. Last evaluated: 2023-05-25. Review status: criteria provided, single submitter. Criteria: GeneDx Variant Classification Process June 2021. Collection method: clinical testing. Allele origin: germline. Affected: yes.
Comment: Not observed at significant frequency in large population cohorts (gnomAD); In silico analysis supports that this missense variant does not alter protein structure/function; Has not been previously published as pathogenic or benign to our knowledge

NM_020937.4(FANCM):c.3290A>G (p.Asn1097Ser)

Gene: FANCM (FA complementation group M; plus strand). Cytogenetic location: 14q21.2.
Variant type: single nucleotide variant.
Coding change: c.3290A>G on transcript NM_020937.4 (MANE Select); coding-DNA position 3290, A replaced by G.
Protein change: p.Asn1097Ser; replaces asparagine 1097 with serine.
Molecular consequence: missense variant.
Genome position (GRCh38, 1-based): chr14:45,176,044, A>G. VCF-style: chr14-45176044-A-G. GRCh37 (hg19) VCF-style: chr14-45645247-A-G.
Other names: c.3212A>G, p.Asn1071Ser (NM_001308133.2); short protein forms N1071S, N1097S.
Identifiers: ClinVar variation 3362101 (VCV003362101.2).